The following is an entry in ClinVar:

NM_000388.4(CASR):c.295G>A (p.Asp99Asn)

Gene: CASR (calcium sensing receptor; plus strand). Cytogenetic location: 3q21.1.
Variant type: single nucleotide variant.
Coding change: c.295G>A on transcript NM_000388.4 (MANE Select); coding-DNA position 295, G replaced by A.
Protein change: p.Asp99Asn; replaces aspartic acid 99 with asparagine.
Molecular consequence: missense variant.
Genome position (GRCh38, 1-based): chr3:122,257,190, G>A. VCF-style: chr3-122257190-G-A. GRCh37 (hg19) VCF-style: chr3-121976037-G-A.
Other names: c.295G>A, p.Asp99Asn (NM_001178065.2); short protein forms D99N.
Identifiers: ClinVar variation 3384937 (VCV003384937.1).

ClinVar aggregate classification (germline): Uncertain significance (1 of 4 stars; one submission).

Submission:

Women's Health and Genetics/Laboratory Corporation of America, LabCorp
Classification: Uncertain significance. Last evaluated: 2024-10-04. Review status: criteria provided, single submitter. Criteria: LabCorp Variant Classification Summary - May 2015. Collection method: clinical testing. Allele origin: germline.
Comment: Variant summary: CASR c.295G>A (p.Asp99Asn) results in a conservative amino acid change located in the ligand binding region of the encoded protein sequence. Four of five in-silico tools predict a damaging effect of the variant on protein function. The variant was absent in 251426 control chromosomes. The available data on variant occurrences in the general population are insufficient to allow any conclusion about variant significance. c.295G>A has been reported in the literature in a single homozygous individual who was affected with hypocalciuric hypercalcemia (e.g., Hao_2022). Both parents of this individual were confirmed to be heterozygous for this variant, and although the mother presented with mild hypocalciuric hypercalcemia, any other family history of parathyroid disease or the use of associaed medications was denied. This report does not provide unequivocal conclusions about association of the variant with Familial Hypocalciuric Hypercalcemia. At least one publication reports experimental evidence evaluating an impact on protein function (e.g., Hao_2022). The most pronounced variant effect detected was an approximately 50-60% lower intracellular Ca2+ concentration in transfected cells compared to wild-type in a CaSR agonist experiment. The following publication has been ascertained in the context of this evaluation (PMID: 35095753). No submitters have cited clinical-significance assessments for this variant to ClinVar. Based on the evidence outlined above, the variant was classified as uncertain significance.

Literature cited by the submitters: PubMed 35095753.